The following is an entry in ClinVar:

ClinVar aggregate classification (germline): Uncertain significance (1 of 4 stars; one submission).

Submission:

Labcorp Genetics (formerly Invitae), Labcorp
Classification: Uncertain significance. Last evaluated: 2021-10-07. Review status: criteria provided, single submitter. Criteria: Invitae Variant Classification Sherloc (09022015). Collection method: clinical testing. Allele origin: germline.
Comment: This variant has not been reported in the literature in individuals affected with KCNK4-related conditions. In summary, the available evidence is currently insufficient to determine the role of this variant in disease. Therefore, it has been classified as a Variant of Uncertain Significance. Algorithms developed to predict the effect of missense changes on protein structure and function are either unavailable or do not agree on the potential impact of this missense change (SIFT: "Not Available"; PolyPhen-2: "Probably Damaging"; Align-GVGD: "Not Available"). This variant is not present in population databases (ExAC no frequency). This sequence change replaces leucine with valine at codon 243 of the KCNK4 protein (p.Leu243Val). The leucine residue is highly conserved and there is a small physicochemical difference between leucine and valine.

NM_033310.3(KCNK4):c.727C>G (p.Leu243Val)

Genes: KCNK4 (potassium two pore domain channel subfamily K member 4; plus strand), KCNK4-CATSPERZ (KCNK4-CATSPERZ readthrough (NMD candidate); plus strand). Cytogenetic location: 11q13.1.
Variant type: single nucleotide variant.
Coding change: c.727C>G on transcript NM_033310.3 (MANE Select); coding-DNA position 727, C replaced by G.
Protein change: p.Leu243Val; replaces leucine 243 with valine.
Molecular consequence: missense variant. On other transcripts: non-coding transcript variant (3).
Genome position (GRCh38, 1-based): chr11:64,298,175, C>G. VCF-style: chr11-64298175-C-G. GRCh37 (hg19) VCF-style: chr11-64065647-C-G.
Other names: c.727C>G, p.Leu243Val (NM_001317090.2); short protein forms L243V.
Identifiers: ClinVar variation 1385161 (VCV001385161.6), dbSNP rs2135233759, ClinGen allele CA381066198.